The following is an entry in ClinVar:

ClinVar aggregate classification (germline): Likely pathogenic (1 of 4 stars; one submission).

Submission:

CeGaT Center for Human Genetics Tuebingen
Classification: Likely pathogenic. Last evaluated: 2024-07-01. Review status: criteria provided, single submitter. Criteria: CeGaT Center For Human Genetics Tuebingen Variant Classification Criteria Version 2. Collection method: clinical testing. Allele origin: germline. Affected: yes. Observed: 1 variant allele.
Comment: VPS13B: PVS1:Strong, PM2, PM3

NM_152564.5(VPS13B):c.11915_11916insG (p.Val3972_Asp3973insTer)

Gene: VPS13B (vacuolar protein sorting 13 homolog B; plus strand). Cytogenetic location: 8q22.2.
Variant type: Insertion.
Coding change: c.11915_11916insG on transcript NM_152564.5 (MANE Select); coding-DNA positions 11915 to 11916, G inserted.
Protein change: p.Val3972_Asp3973insTer.
Molecular consequence: frameshift variant.
Genome position: GRCh38 VCF-style: chr8-99875587-T-TG. GRCh37 (hg19) VCF-style: chr8-100887815-T-TG.
Other names: c.11990_11991insG, p.Val3997_Asp3998insTer (NM_017890.5).
Identifiers: ClinVar variation 3257568 (VCV003257568.17).